The following is an entry in ClinVar:

NM_012210.4(TRIM32):c.*1G>C

Genes: ASTN2 (astrotactin 2; minus strand), TRIM32 (tripartite motif containing 32; plus strand). Cytogenetic location: 9q33.1.
Variant type: single nucleotide variant.
Coding change: c.*1G>C on transcript NM_012210.4 (MANE Select); 1 bases downstream of the stop codon, G replaced by C.
Molecular consequence: 3 prime UTR variant. On other transcripts: intron variant (3).
Genome position (GRCh38, 1-based): chr9:116,699,705, G>C. VCF-style: chr9-116699705-G-C. GRCh37 (hg19) VCF-style: chr9-119461984-G-C.
Other names: c.*1G>C (NM_001099679.2, NM_001379048.1, NM_001379049.1 and 1 more transcripts); c.2653+26066C>G (NM_014010.5); c.2794+26066C>G (NM_001365069.1); c.2806+26066C>G (NM_001365068.1).
Identifiers: ClinVar variation 4978932 (VCV004978932.1).

ClinVar aggregate classification (germline): Likely benign (1 of 4 stars; one submission).

Conditions:
TRIM32-related disorder. Also called: TRIM32-related condition.

gnomAD v4.1: 22 of 1,614,166 alleles (0.0014%); highest among the groups gnomAD compares: South Asian, 0.023%; no homozygotes.

Submission:

PreventionGenetics, part of Exact Sciences
Classification: Likely benign for TRIM32-related condition. Last evaluated: 2025-10-06. Review status: criteria provided, single submitter. Criteria: ACMG Guidelines, 2015. Collection method: clinical testing. Allele origin: germline.
Comment: This variant is classified as likely benign based on ACMG/AMP sequence variant interpretation guidelines (Richards et al. 2015 PMID: 25741868, with internal and published modifications).